The following is an entry in ClinVar:

NM_000094.4(COL7A1):c.1926_1927del (p.Leu643fs)

Gene: COL7A1 (collagen type VII alpha 1 chain; minus strand). Cytogenetic location: 3p21.31.
Variant type: Microsatellite.
Coding change: c.1926_1927del on transcript NM_000094.4 (MANE Select); coding-DNA positions 1926 to 1927, 2 bases deleted (AC; older notation c.1926_1927delAC).
Protein change: p.Leu643fs; shifts the reading frame from leucine 643.
Molecular consequence: frameshift variant.
Genome position (GRCh38, 1-based): chr3:48,590,336-48,590,337, GT deleted on the plus strand (AC on the coding strand, the reverse complement: COL7A1 is on the minus strand); deleting any 2 consecutive bases within chr3:48,590,336-48,590,339 gives the same sequence; the c. name uses the placement nearest the transcript's 3' end. VCF-style (leftmost placement, unchanged base first): chr3-48590335-AGT-A. GRCh37 (hg19) VCF-style: chr3-48627768-AGT-A.
Other names: short protein forms L643fs.
Identifiers: ClinVar variation 5013911 (VCV005013911.1).

ClinVar aggregate classification (germline): Pathogenic (1 of 4 stars; one submission).

Conditions:
Recessive dystrophic epidermolysis bullosa (RDEB). Also called: DYSTROPHIC EPIDERMOLYSIS BULLOSA, AUTOSOMAL RECESSIVE; EPIDERMOLYSIS BULLOSA DYSTROPHICA, HALLOPEAU-SIEMENS TYPE; Hallopeau-Siemens Disease; severe generalized recessive dystrophic epidermolysis bullosa; EPIDERMOLYSIS BULLOSA DYSTROPHICA, GENERALIZED SEVERE, AUTOSOMAL RECESSIVE; Epidermolysis Bullosa Distrophica Autosomal Recessive (RDEB). Identifiers: Orphanet 79408, Orphanet 79409, MedGen C0079474, MONDO:0009179, OMIM 226600.

Submission:

Myriad Genetics, Inc.
Classification: Pathogenic for Recessive dystrophic epidermolysis bullosa. Last evaluated: 2025-01-03. Review status: criteria provided, single submitter. Criteria: Myriad Autosomal Dominant, Autosomal Recessive and X-Linked Classification Criteria (2023). Collection method: clinical testing. Allele origin: unknown.
Comment: NM_000094.3(COL7A1):c.1926_1927delAC(L643Afs*96) is expected to be pathogenic in the context of dystrophic epidermolysis bullosa. This variant is predicted to lead to an abnormal or absent protein product due to the creation of a premature termination codon in COL7A1, a gene where loss-of-function variants are known to be pathogenic. Please note: this variant was assessed in the context of healthy population screening.